The following is an entry in ClinVar:

NM_000719.7(CACNA1C):c.355A>G (p.Ser119Gly)

Gene: CACNA1C (calcium voltage-gated channel subunit alpha1 C; plus strand). Cytogenetic location: 12p13.33.
Variant type: single nucleotide variant.
Coding change: c.355A>G on transcript NM_000719.7 (MANE Select); coding-DNA position 355, A replaced by G.
Protein change: p.Ser119Gly; replaces serine 119 with glycine.
Molecular consequence: missense variant.
Genome position (GRCh38, 1-based): chr12:2,115,529, A>G. VCF-style: chr12-2115529-A-G. GRCh37 (hg19) VCF-style: chr12-2224695-A-G.
Other names: c.355A>G, p.Ser119Gly (NM_001129827.2, NM_001129829.2, NM_001129830.3 and 19 more transcripts); short protein forms S119G.
Identifiers: ClinVar variation 4745765 (VCV004745765.1).

ClinVar aggregate classification (germline): Uncertain significance (1 of 4 stars; one submission).

Conditions:
Long QT syndrome (LQTS). Identifiers: MedGen C0023976, MeSH D008133, MONDO:0002442. Disease mechanism: loss of function. Inheritance: Various modes of inheritance.

Submission:

Labcorp Genetics (formerly Invitae), Labcorp
Classification: Uncertain significance for Long QT syndrome. Last evaluated: 2025-11-17. Review status: criteria provided, single submitter. Criteria: Invitae Variant Classification Sherloc (09022015). Collection method: clinical testing. Allele origin: germline.
Comment: This sequence change replaces serine, which is neutral and polar, with glycine, which is neutral and non-polar, at codon 119 of the CACNA1C protein (p.Ser119Gly). This variant is not present in population databases (gnomAD no frequency). This variant has not been reported in the literature in individuals affected with CACNA1C-related conditions. Invitae Evidence Modeling of protein sequence and biophysical properties (such as structural, functional, and spatial information, amino acid conservation, physicochemical variation, residue mobility, and thermodynamic stability) indicates that this missense variant is not expected to disrupt CACNA1C protein function with a negative predictive value of 80%. In summary, the available evidence is currently insufficient to determine the role of this variant in disease. Therefore, it has been classified as a Variant of Uncertain Significance.